The following is an entry in ClinVar:

ClinVar aggregate classification (germline): Conflicting classifications of pathogenicity. Review status: criteria provided, conflicting classifications (1 of 4 stars). 3 submissions from 3 submitters: Uncertain significance (2); Likely benign (1). Last evaluated 2024-11-25.

Conditions:
Inborn genetic diseases. Identifiers: MedGen C0950123, MeSH D030342.

Allele frequency attached by ClinVar (database versions not stated): gnomAD exomes 0.00002 and 0.00010; TOPMed 0.00003; gnomAD 0.00004 and 0.00005; ExAC 0.00008.
gnomAD v4.1: 32 of 1,613,916 alleles (0.002%); highest among the groups gnomAD compares: East Asian, 0.065%; no homozygotes.

Submissions (3):

Labcorp Genetics (formerly Invitae), Labcorp
Classification: Likely benign. Last evaluated: 2024-11-25. Review status: criteria provided, single submitter. Criteria: Invitae Variant Classification Sherloc (09022015). Collection method: clinical testing. Allele origin: germline.

Ambry Genetics
Classification: Uncertain significance for Inborn genetic diseases. Last evaluated: 2024-02-28. Review status: criteria provided, single submitter. Criteria: Ambry Variant Classification Scheme 2023. Collection method: clinical testing. Allele origin: germline.

GeneDx
Classification: Uncertain significance. Last evaluated: 2023-01-03. Review status: criteria provided, single submitter. Criteria: GeneDx Variant Classification Process June 2021. Collection method: clinical testing. Allele origin: germline. Affected: yes.
Comment: In silico analysis supports that this missense variant does not alter protein structure/function; Has not been previously published as pathogenic or benign to our knowledge

NM_001286577.2(C2CD3):c.5612T>G (p.Leu1871Arg)

Gene: C2CD3 (C2 domain containing 3 centriole elongation regulator; minus strand). Cytogenetic location: 11q13.4.
Variant type: single nucleotide variant.
Coding change: c.5612T>G on transcript NM_001286577.2 (MANE Select); coding-DNA position 5612, T replaced by G.
Protein change: p.Leu1871Arg; replaces leucine 1871 with arginine.
Molecular consequence: missense variant.
Genome position (GRCh38, 1-based): chr11:74,042,102, A>C on the plus strand (T>G on the coding strand, the complement: C2CD3 is on the minus strand). VCF-style: chr11-74042102-A-C. GRCh37 (hg19) VCF-style: chr11-73753147-A-C.
Other names: c.5612T>G (NM_015531.5, NM_015531.4); c.5612T>G, p.Leu1871Arg (NM_015531.6); short protein forms L1871R.
Identifiers: ClinVar variation 1461043 (VCV001461043.7), dbSNP rs766845407, ClinGen allele CA6181824.